The following is an entry in ClinVar:

ClinVar aggregate classification (germline): Uncertain significance (1 of 4 stars; one submission).

Conditions:
Congenital myasthenic syndrome 17. Identifiers: Orphanet 590, MedGen C4225377, MONDO:0014578, OMIM 616304.
Cenani-Lenz syndactyly syndrome. Also called: SYNDACTYLY, TYPE VII; CENANI SYNDACTYLISM. Identifiers: Orphanet 3258, MedGen C1859309, MONDO:0008931, OMIM 212780.
Sclerosteosis 2 (SOST2). Identifiers: Orphanet 3152, MedGen C3280402, MONDO:0013679, OMIM 614305.

Allele frequency attached by ClinVar (database versions not stated): gnomAD exomes below 0.00001; TOPMed below 0.00001.
gnomAD v4.1: 2 of 1,613,270 alleles (0.00012%); highest among the groups gnomAD compares: East Asian, 0.0022%; no homozygotes.

Submission:

Labcorp Genetics (formerly Invitae), Labcorp
Classification: Uncertain significance for Cenani-Lenz syndactyly syndrome; Sclerosteosis 2; Congenital myasthenic syndrome 17. Last evaluated: 2021-09-16. Review status: criteria provided, single submitter. Criteria: Invitae Variant Classification Sherloc (09022015). Collection method: clinical testing. Allele origin: germline.
Comment: This variant is not present in population databases (ExAC no frequency). In summary, the available evidence is currently insufficient to determine the role of this variant in disease. Therefore, it has been classified as a Variant of Uncertain Significance. Variants that disrupt the consensus splice site are a relatively common cause of aberrant splicing (PMID: 17576681, 9536098). Algorithms developed to predict the effect of sequence changes on RNA splicing suggest that this variant is not likely to affect RNA splicing. This variant has not been reported in the literature in individuals affected with LRP4-related conditions. This sequence change falls in intron 28 of the LRP4 gene. It does not directly change the encoded amino acid sequence of the LRP4 protein. It affects a nucleotide within the consensus splice site of the intron.

Literature cited by the submitters: PubMed 17576681; PubMed 9536098.

NM_002334.4(LRP4):c.4229+4T>C

Gene: LRP4 (LDL receptor related protein 4; minus strand). Cytogenetic location: 11p11.2.
Variant type: single nucleotide variant.
Coding change: c.4229+4T>C on transcript NM_002334.4 (MANE Select); 4 bases into the intron after coding-DNA position 4229, T replaced by C.
Molecular consequence: intron variant.
Genome position (GRCh38, 1-based): chr11:46,874,796, A>G on the plus strand (T>C on the coding strand, the complement: LRP4 is on the minus strand). VCF-style: chr11-46874796-A-G. GRCh37 (hg19) VCF-style: chr11-46896347-A-G.
Identifiers: ClinVar variation 1460789 (VCV001460789.6), dbSNP rs1836121973, ClinGen allele CA1969121404.